The following is an entry in ClinVar:

ClinVar aggregate classification (germline): Uncertain significance (1 of 4 stars; one submission).

Conditions:
Creatine transporter deficiency (CCDS1). Also called: Mental retardation , X-linked with seizures, short stature and midface hypoplasia; Mental retardation , X-linked, with creatine transport deficiency; X-linked creatine transporter deficiency; X-linked creatine deficiency syndrome; SLC6A8-Related Creatine Transporter Deficiency; CREATINE TRANSPORTER DEFECT. Identifiers: Orphanet 52503, MedGen C1845862, MONDO:0010305, OMIM 300352.

Submission:

Labcorp Genetics (formerly Invitae), Labcorp
Classification: Uncertain significance for Creatine transporter deficiency. Last evaluated: 2021-01-15. Review status: criteria provided, single submitter. Criteria: Invitae Variant Classification Sherloc (09022015). Collection method: clinical testing. Allele origin: germline.
Comment: This variant, c.1350_1361del, results in the deletion of 4 amino acid(s) of the SLC6A8 protein (p.Cys451_Cys454del), but otherwise preserves the integrity of the reading frame. This variant is not present in population databases (ExAC no frequency). In summary, the available evidence is currently insufficient to determine the role of this variant in disease. Therefore, it has been classified as a Variant of Uncertain Significance. Experimental studies and prediction algorithms are not available or were not evaluated, and the functional significance of this variant is currently unknown. This variant has not been reported in the literature in individuals with SLC6A8-related conditions.

NM_005629.4(SLC6A8):c.1350_1361del (p.Cys451_Cys454del)

Gene: SLC6A8 (solute carrier family 6 member 8; plus strand). Cytogenetic location: Xq28.
Variant type: Deletion.
Coding change: c.1350_1361del on transcript NM_005629.4 (MANE Select); coding-DNA positions 1350 to 1361, 12 bases deleted (TTGTGCCCTCTG).
Protein change: p.Cys451_Cys454del.
Molecular consequence: inframe deletion.
Genome position (GRCh38, 1-based): chrX:153,694,225-153,694,236, TTGTGCCCTCTG deleted; deleting any 12 consecutive bases within chrX:153,694,217-153,694,236 gives the same sequence; the c. name uses the placement nearest the transcript's 3' end. VCF-style (leftmost placement, unchanged base first): chrX-153694216-GGCCCTCTGTTGT-G. GRCh37 (hg19) VCF-style: chrX-152959671-GGCCCTCTGTTGT-G.
Other names: c.1320_1331del, p.Cys441_Cys444del (NM_001142805.2); c.1005_1016del, p.Cys336_Cys339del (NM_001142806.1).
Identifiers: ClinVar variation 1477604 (VCV001477604.8), dbSNP rs2148364040, ClinGen allele CA2573159333.